The following is an entry in ClinVar:

ClinVar aggregate classification (germline): Likely benign. Review status: criteria provided, multiple submitters, no conflicts (2 of 4 stars). 4 submissions from 4 submitters: Likely benign (4). Last evaluated 2025-12-24.

Conditions:
Cardiomyopathy (CMYO). Also called: Cardiomyopathies. Identifiers: Orphanet 167848, MedGen C0878544, MONDO:0004994, HP:0001638. Inheritance: Various modes of inheritance.
Lethal congenital glycogen storage disease of heart. Also called: GLYCOGEN STORAGE DISEASE OF HEART; PHOSPHORYLASE KINASE DEFICIENCY OF HEART. Identifiers: Orphanet 439854, MedGen C1849813, MONDO:0009867, OMIM 261740.
Cardiovascular phenotype. Identifiers: MedGen CN230736.

Allele frequency attached by ClinVar (database versions not stated): gnomAD 0.00001; TOPMed 0.00004.
gnomAD v4.1: 21 of 1,614,012 alleles (0.0013%); highest among the groups gnomAD compares: East Asian, 0.047%; no homozygotes.

Submissions (4):

Labcorp Genetics (formerly Invitae), Labcorp
Classification: Likely benign for Lethal congenital glycogen storage disease of heart. Last evaluated: 2025-12-24. Review status: criteria provided, single submitter. Criteria: Invitae Variant Classification Sherloc (09022015). Collection method: clinical testing. Allele origin: germline.

Ambry Genetics
Classification: Likely benign for Cardiovascular phenotype. Last evaluated: 2022-02-21. Review status: criteria provided, single submitter. Criteria: Ambry Variant Classification Scheme 2023. Collection method: clinical testing. Allele origin: germline.

GeneDx
Classification: Likely benign. Last evaluated: 2019-07-11. Review status: criteria provided, single submitter. Criteria: GeneDx Variant Classification Process June 2021. Collection method: clinical testing. Allele origin: germline. Affected: yes.
Comment: Has not been previously published as pathogenic or benign to our knowledge

Color Diagnostics, LLC DBA Color Health
Classification: Likely benign for Cardiomyopathy. Last evaluated: 2019-04-01. Review status: criteria provided, single submitter. Criteria: ACMG Guidelines, 2015. Collection method: clinical testing. Allele origin: germline.

NM_016203.4(PRKAG2):c.331C>A (p.Gln111Lys)

Gene: PRKAG2 (protein kinase AMP-activated non-catalytic subunit gamma 2; minus strand). Cytogenetic location: 7q36.1.
Variant type: single nucleotide variant.
Coding change: c.331C>A on transcript NM_016203.4 (MANE Select); coding-DNA position 331, C replaced by A.
Protein change: p.Gln111Lys; replaces glutamine 111 with lysine.
Molecular consequence: missense variant.
Genome position (GRCh38, 1-based): chr7:151,781,287, G>T on the plus strand (C>A on the coding strand, the complement: PRKAG2 is on the minus strand). VCF-style: chr7-151781287-G-T. GRCh37 (hg19) VCF-style: chr7-151478373-G-T.
Other names: c.199C>A, p.Gln67Lys (NM_001040633.2); short protein forms Q111K, Q67K.
Identifiers: ClinVar variation 701411 (VCV000701411.16), dbSNP rs778331706, ClinGen allele CA056780.